The following is an entry in ClinVar:

ClinVar aggregate classification (germline): Uncertain significance (1 of 4 stars; one submission).

Submission:

Labcorp Genetics (formerly Invitae), Labcorp
Classification: Uncertain significance. Last evaluated: 2025-10-09. Review status: criteria provided, single submitter. Criteria: Invitae Variant Classification Sherloc (09022015). Collection method: clinical testing. Allele origin: germline.
Comment: This variant, c.5673_5675del, results in the deletion of 1 amino acid(s) of the ABCA1 protein (p.Glu1891del), but otherwise preserves the integrity of the reading frame. This variant is not present in population databases (gnomAD no frequency). This variant has not been reported in the literature in individuals affected with ABCA1-related conditions. Experimental studies and prediction algorithms are not available or were not evaluated, and the functional significance of this variant is currently unknown. In summary, the available evidence is currently insufficient to determine the role of this variant in disease. Therefore, it has been classified as a Variant of Uncertain Significance.

NM_005502.4(ABCA1):c.5673_5675del (p.Glu1891del)

Gene: ABCA1 (ATP binding cassette subfamily A member 1; minus strand). Cytogenetic location: 9q31.1.
Variant type: Deletion.
Coding change: c.5673_5675del on transcript NM_005502.4 (MANE Select); coding-DNA positions 5673 to 5675, 3 bases deleted (AGA; older notation c.5673_5675delAGA).
Protein change: p.Glu1891del; deletes glutamic acid 1891.
Molecular consequence: inframe deletion.
Genome position (GRCh38, 1-based): chr9:104,792,868-104,792,870, TCT deleted on the plus strand (AGA on the coding strand, the reverse complement: ABCA1 is on the minus strand); deleting any 3 consecutive bases within chr9:104,792,868-104,792,872 gives the same sequence; the c. name uses the placement nearest the transcript's 3' end. VCF-style (leftmost placement, unchanged base first): chr9-104792867-ATCT-A. GRCh37 (hg19) VCF-style: chr9-107555148-ATCT-A.
Other names: short protein forms E1891del.
Identifiers: ClinVar variation 4728815 (VCV004728815.1).
Genomic context (GRCh38, chr9:104,792,867, plus strand): 5'-TAAGATGTCATTCTGGCCTCCACCATCAAGAATTCTCTGTCTTTCCCGCCTCACATCTTC[ATCT>A]TCATCATTCAGAGGAGATAGCTTTGCATTTACAGGTCTTGGGGGAAAAAACAAGAAAAAT-3'